The following is an entry in ClinVar:

NM_005866.4(SIGMAR1):c.640C>G (p.Leu214Val)

Gene: SIGMAR1 (sigma non-opioid intracellular receptor 1; minus strand). Cytogenetic location: 9p13.3.
Variant type: single nucleotide variant.
Coding change: c.640C>G on transcript NM_005866.4 (MANE Select); coding-DNA position 640, C replaced by G.
Protein change: p.Leu214Val; replaces leucine 214 with valine.
Molecular consequence: missense variant. On other transcripts: 3 prime UTR variant (2), non-coding transcript variant (1), intron variant (1).
Genome position (GRCh38, 1-based): chr9:34,635,664, G>C on the plus strand (C>G on the coding strand, the complement: SIGMAR1 is on the minus strand). VCF-style: chr9-34635664-G-C. GRCh37 (hg19) VCF-style: chr9-34635661-G-C.
Other names: p.Leu214Val; c.340C>G, p.Leu114Val (NM_001282206.2); c.580C>G, p.Leu194Val (NM_001282207.2); c.*183C>G (NM_001282208.2); c.*167C>G (NM_001282209.2); c.547C>G, p.Leu183Val (NM_147157.3); c.446-24C>G (NM_001282205.2); short protein forms L114V, L194V, L183V, L214V.
Identifiers: ClinVar variation 4541428 (VCV004541428.1).
Genomic context (GRCh38, chr9:34,635,664, plus strand): 5'-CCGCAGGTCTTCCTTCAGGCCTGGCTGGTCAAGGGTCCTGGCCAAAGAGGTAGGTGGTGA[G>C]CTCAAGCCGGAGGCCCCGAGCATAGGAGCGAAGAGTATAGAAGAGGGTGAGGAAGTCCTG-3'
Protein context (NP_005857.1, residues 204-223): RSYARGLRLE[Leu214Val]TTYLFGQDP

ClinVar aggregate classification (germline): Uncertain significance (1 of 4 stars; one submission).

Submission:

Mayo Clinic Laboratories, Mayo Clinic
Classification: Uncertain significance. Last evaluated: 2025-04-28. Review status: criteria provided, single submitter. Criteria: ACMG Guidelines, 2015. Collection method: clinical testing. Allele origin: germline. Observed: 1 variant allele.
Comment: BP4